The following is an entry in ClinVar:

ClinVar aggregate classification (germline): Uncertain significance (1 of 4 stars; one submission).

Allele frequency attached by ClinVar (database versions not stated): gnomAD exomes below 0.00001.
gnomAD v4.1: 1 of 1,612,608 alleles (0.000062%); highest among the groups gnomAD compares: East Asian, 0.0022%; no homozygotes.

Submission:

Ambry Genetics
Classification: Uncertain significance. Last evaluated: 2025-09-19. Review status: criteria provided, single submitter. Criteria: Ambry Variant Classification Scheme 2023. Collection method: clinical testing. Allele origin: germline.
Comment: The p.M458K variant (also known as c.1373T>A), located in coding exon 11 of the RECQL gene, results from a T to A substitution at nucleotide position 1373. The methionine at codon 458 is replaced by lysine, an amino acid with similar properties. This amino acid position is poorly conserved in available vertebrate species. In addition, this alteration is predicted to be tolerated by in silico analysis. The evidence for this gene-disease relationship is limited; therefore, the clinical significance of this alteration is unclear.

NM_002907.4(RECQL):c.1373T>A (p.Met458Lys)

Gene: RECQL (RecQ like helicase; minus strand). Cytogenetic location: 12p12.1.
Variant type: single nucleotide variant.
Coding change: c.1373T>A on transcript NM_002907.4 (MANE Select); coding-DNA position 1373, T replaced by A.
Protein change: p.Met458Lys; replaces methionine 458 with lysine.
Molecular consequence: missense variant.
Genome position (GRCh38, 1-based): chr12:21,473,625, A>T on the plus strand (T>A on the coding strand, the complement: RECQL is on the minus strand). VCF-style: chr12-21473625-A-T. GRCh37 (hg19) VCF-style: chr12-21626559-A-T.
Other names: c.1373T>A, p.Met458Lys (NM_032941.3); short protein forms M458K.
Identifiers: ClinVar variation 2560858 (VCV002560858.3), dbSNP rs2540334762, ClinGen allele CA384117696.
Genomic context (GRCh38, chr12:21,473,625, plus strand): 5'-CAGTTATCGCACATTTTGTTACATGCTTCTGAGTTCCATACTTCATCAAAATGTTGAGCC[A>T]TCAACACACGACGACATCTGCAAACACATTTAAAGATACAAATTATTAAAGGATATAATA-3'
Protein context (NP_002898.2, residues 448-468): QNISKCRRVL[Met458Lys]AQHFDEVWNS